The following is an entry in ClinVar:

ClinVar aggregate classification (germline): Uncertain significance (0 of 4 stars; one submission).

Conditions:
Prostate cancer. Also called: Malignant tumor of prostate. Identifiers: Orphanet 1331, MedGen C0376358, MONDO:0008315, HP:0012125.

Allele frequency attached by ClinVar (database versions not stated): gnomAD exomes 0.00002; TOPMed 0.00002.

Submission:

Science for Life laboratory,  Karolinska Institutet
Classification: Uncertain significance for Malignant tumor of prostate. Review status: no assertion criteria provided. Collection method: not provided. Allele origin: somatic.
Comment: TumorID:SWE-92B
ClinVar note: Converted during submission from Unknown to Uncertain significance.

NM_022045.5(MTBP):c.2380A>G (p.Ile794Val)

Gene: MTBP (MDM2 binding protein; plus strand). Cytogenetic location: 8q24.12.
Variant type: single nucleotide variant.
Coding change: c.2380A>G on transcript NM_022045.5 (MANE Select); coding-DNA position 2380, A replaced by G.
Protein change: p.Ile794Val; replaces isoleucine 794 with valine.
Molecular consequence: missense variant.
Genome position (GRCh38, 1-based): chr8:120,517,984, A>G. VCF-style: chr8-120517984-A-G. GRCh37 (hg19) VCF-style: chr8-121530224-A-G.
Other names: short protein forms I794V.
Identifiers: ClinVar variation 161754 (VCV000161754.2), dbSNP rs193921136, ClinGen allele CA174724.